The following is an entry in ClinVar:

NM_000359.3(TGM1):c.943C>T (p.Arg315Cys)

Gene: TGM1 (transglutaminase 1; minus strand). Cytogenetic location: 14q12.
Variant type: single nucleotide variant.
Coding change: c.943C>T on transcript NM_000359.3 (MANE Select); coding-DNA position 943, C replaced by T.
Protein change: p.Arg315Cys; replaces arginine 315 with cysteine.
Molecular consequence: missense variant.
Genome position (GRCh38, 1-based): chr14:24,259,745, G>A on the plus strand (C>T on the coding strand, the complement: TGM1 is on the minus strand). VCF-style: chr14-24259745-G-A. GRCh37 (hg19) VCF-style: chr14-24728951-G-A.
Other names: short protein forms R315C.
Identifiers: ClinVar variation 39529 (VCV000039529.15), dbSNP rs397514525, ClinGen allele CA261151.

ClinVar aggregate classification (germline): Pathogenic/Likely pathogenic. Review status: criteria provided, multiple submitters, no conflicts (2 of 4 stars). 10 submissions from 10 submitters: Pathogenic (6); Likely pathogenic (2). 2 of the submissions do not count toward it. Last evaluated 2025-10-05.

Conditions:
TGM1-related disorder. Also called: TGM1-related condition.
Lamellar ichthyosis. Identifiers: Orphanet 313, MedGen C5848247, MONDO:0017778.
Autosomal recessive congenital ichthyosis 1 (LI1). Also called: COLLODION FETUS; DESQUAMATION OF NEWBORN; ICHTHYOSIS, CONGENITAL, AUTOSOMAL RECESSIVE 1, WITH BATHING SUIT DISTRIBUTION; ICHTHYOSIS, CONGENITAL, AUTOSOMAL RECESSIVE 1, WITH OR WITHOUT BATHING SUIT DISTRIBUTION; ICHTHYOSIS CONGENITA; ICHTHYOSIS CONGENITA II. Identifiers: MedGen C4551630, MONDO:0009441, OMIM 242300.

Allele frequency attached by ClinVar (database versions not stated): TOPMed below 0.00001; gnomAD exomes 0.00001.
gnomAD v4.1: 10 of 1,612,126 alleles (0.00062%); highest among the groups gnomAD compares: Admixed American, 0.0017%; no homozygotes.

Submissions (10):

Labcorp Genetics (formerly Invitae), Labcorp
Classification: Pathogenic. Last evaluated: 2025-10-05. Review status: criteria provided, single submitter. Criteria: Invitae Variant Classification Sherloc (09022015). Collection method: clinical testing. Allele origin: germline.
Comment: This sequence change replaces arginine, which is basic and polar, with cysteine, which is neutral and slightly polar, at codon 315 of the TGM1 protein (p.Arg315Cys). The frequency data for this variant in the population databases is considered unreliable, as metrics indicate poor data quality at this position in the gnomAD database. This missense change has been observed in individual(s) with non-harlequin congenital ichthyosis (PMID: 9261103, 9545389, 22801880). In at least one individual the data is consistent with being in trans (on the opposite chromosome) from a pathogenic variant. It has also been observed to segregate with disease in related individuals. ClinVar contains an entry for this variant (Variation ID: 39529). Invitae Evidence Modeling of protein sequence and biophysical properties (such as structural, functional, and spatial information, amino acid conservation, physicochemical variation, residue mobility, and thermodynamic stability) indicates that this missense variant is expected to disrupt TGM1 protein function with a positive predictive value of 95%. Experimental studies have shown that this missense change affects TGM1 function (PMID: 19212342). For these reasons, this variant has been classified as Pathogenic.

PreventionGenetics, part of Exact Sciences
Classification: Pathogenic for TGM1-related condition. Last evaluated: 2025-09-24. Review status: criteria provided, single submitter. Criteria: ACMG Guidelines, 2015. Collection method: clinical testing. Allele origin: germline.
Comment: The TGM1 c.943C>T variant is predicted to result in the amino acid substitution p.Arg315Cys. This variant has been previously reported in compound heterozygous state in individuals with ichthyosis (Huber et al 1997. PubMed ID: 9261103; Hennies et al. 1998. PubMed ID: 9545389; Bourrat et al. 2012. PubMed ID: 22801880; Oji et al. 2006. PubMed ID: 16968736; Herman et al. 2009. PubMed ID: 19241467). An alternate nucleotide change affecting the same amino acid (p.Arg315His and p.Arg315Leu) has been frequently reported in homozygous and compound heterozygous state in individuals with ichthyosis (Herman et al. 2009. PubMed ID: 19241467; Bourrat et al. 2012. PubMed ID: 22801880; Marukian et al. 2017. PubMed ID: 28403434). This variant is reported in 0.0029% of alleles in individuals of Latino descent in gnomAD. This variant is interpreted as pathogenic.

GeneDx
Classification: Pathogenic. Last evaluated: 2024-08-13. Review status: criteria provided, single submitter. Criteria: GeneDx Variant Classification Process June 2021. Collection method: clinical testing. Allele origin: germline. Affected: yes.
Comment: Published functional studies demonstrate a damaging effect: decreased enzyme activity (PMID: 19212342); Not observed at significant frequency in large population cohorts (gnomAD); This variant is associated with the following publications: (PMID: 10914678, 38181929, 9261103, 22801880, 16968736, 37762949, 9545389, 19212342)

Revvity Omics, Revvity
Classification: Pathogenic for Autosomal recessive congenital ichthyosis 1. Last evaluated: 2024-07-12. Review status: criteria provided, single submitter. Criteria: ACMG Guidelines, 2015. Collection method: clinical testing. Allele origin: germline.

Baylor Genetics
Classification: Likely pathogenic for Autosomal recessive congenital ichthyosis 1. Last evaluated: 2023-09-07. Review status: criteria provided, single submitter. Criteria: ACMG Guidelines, 2015. Collection method: clinical testing. Allele origin: unknown.

Women's Health and Genetics/Laboratory Corporation of America, LabCorp
Classification: Pathogenic for Lamellar ichthyosis. Last evaluated: 2023-06-21. Review status: criteria provided, single submitter. Criteria: LabCorp Variant Classification Summary - May 2015. Collection method: clinical testing. Allele origin: germline.
Comment: Variant summary: TGM1 c.943C>T (p.Arg315Cys) results in a non-conservative amino acid change in the encoded protein sequence. Five of five in-silico tools predict a damaging effect of the variant on protein function. The variant allele was found at a frequency of 8.1e-06 in 246640 control chromosomes (gnomAD). c.943C>T has been reported in the literature as a biallelic genotype in individuals affected with Congenital Ichthyosis (e.g. Huber_1997, Hennies_1998, Bourrat_2012). These data indicate that the variant is likely to be associated with disease. When transiently expressed in HEK293 cells, the variant had 13.99% relative activity at 31C and 5.59% relative activity at 37C, compared to wild-type (Aufenvenne_2009). The following publications have been ascertained in the context of this evaluation (PMID: 19212342, 22801880, 9545389, 9261103). Two ClinVar submitters have assessed the variant since 2014: one classified the variant as likely pathogenic and one as pathogenic. Based on the evidence outlined above, the variant was classified as pathogenic.

Genome-Nilou Lab
Classification: Likely pathogenic for Autosomal recessive congenital ichthyosis 1. Review status: criteria provided, single submitter. Criteria: ACMG Guidelines, 2015. Collection method: clinical testing. Allele origin: germline.

Neuberg Centre For Genomic Medicine, NCGM
Classification: Pathogenic for Autosomal recessive congenital ichthyosis 1. Review status: criteria provided, single submitter. Criteria: ACMG Guidelines, 2015. Collection method: clinical testing. Allele origin: germline. Inheritance: Autosomal recessive inheritance. Affected: yes.
Comment: The missense variant c.943C>T (p.Arg315Cys) in the TGM1 gene has been reported previously in compound heterozygous state in individuals affected with Bathing suit ichthyosis. Experimental studies have shown that this missense change affects TGM1 function (Oji et al., 2006; Aufenvenne et al., 2009). This variant is reported with the allele frequency (0.0008%) in the gnomAD. It has been submitted to ClinVar with varying interpretations as Pathogenic/ Likely Pathogenic. The amino acid Arginine at position 315 is changed to a Cysteine changing protein sequence and it might alter its composition and physico-chemical properties. The variant is predicted as damaging by SIFT. The amino acid change p.Arg315Cys in TGM1 is predicted as conserved by GERP++ and PhyloP across 100 vertebrates. For these reasons, this variant has been classified as Pathogenic.

Counsyl
Classification: Likely pathogenic for Autosomal recessive congenital ichthyosis 1. Last evaluated: 2018-04-11. Review status: no assertion criteria provided. Collection method: clinical testing. Allele origin: unknown. Not counted in ClinVar's aggregate classification.

OMIM
Classification: Pathogenic for ICHTHYOSIS, CONGENITAL, AUTOSOMAL RECESSIVE 1, WITH BATHING SUIT DISTRIBUTION. Last evaluated: 2009-08-01. Review status: no assertion criteria provided. Collection method: literature only. Allele origin: germline. Not counted in ClinVar's aggregate classification.

Literature cited by the submitters: PubMed 9261103 (cited by 3 submitters); PubMed 9545389 (cited by Labcorp Genetics (formerly Invitae), Labcorp and Women's Health and Genetics/Laboratory Corporation of America, LabCorp); PubMed 22801880 (cited by 3 submitters); PubMed 19212342 (cited by 4 submitters); PubMed 16968736 (cited by Counsyl and OMIM); PubMed 10914678 (cited by Counsyl).